The following is an entry in ClinVar:

NM_000317.3(PTS):c.84-323A>T

Gene: PTS (6-pyruvoyltetrahydropterin synthase; plus strand). Cytogenetic location: 11q23.1.
Variant type: single nucleotide variant.
Coding change: c.84-323A>T on transcript NM_000317.3 (MANE Select); 323 bases into the intron before coding-DNA position 84, A replaced by T.
Molecular consequence: intron variant.
Genome position (GRCh38, 1-based): chr11:112,228,271, A>T. VCF-style: chr11-112228271-A-T. GRCh37 (hg19) VCF-style: chr11-112098994-A-T.
Other names: IVS1, -322A-T.
Identifiers: ClinVar variation 486 (VCV000000486.4), dbSNP rs794726657, ClinGen allele CA212743.

ClinVar aggregate classification (germline): Uncertain significance. Review status: criteria provided, multiple submitters, no conflicts (2 of 4 stars). 3 submissions from 3 submitters: Uncertain significance (2). 1 of the submissions does not count toward it. Last evaluated 2024-05-28.

Conditions:
6-Pyruvoyl-tetrahydrobiopterin synthase deficiency. Also called: Hyperphenylalanemia, BH4-deficient, A; Hyperphenylalaninemia due to 6-pyruvoyl-tetrahydropterin synthase deficiency; BH4-deficient hyperphenylalaninemia A; PTS DEFICIENCY; HYPERPHENYLALANINEMIA, TETRAHYDROBIOPTERIN-DEFICIENT, DUE TO PTS DEFICIENCY; PTS-Related Tetrahydrobiopterin Deficiency. Identifiers: Orphanet 13, Orphanet 238583, MedGen C0878676, MONDO:0009863, OMIM 261640.

Submissions (3):

Fulgent Genetics
Classification: Uncertain significance for 6-Pyruvoyl-tetrahydrobiopterin synthase deficiency. Last evaluated: 2024-05-28. Review status: criteria provided, single submitter. Criteria: ACMG Guidelines, 2015. Collection method: clinical testing. Allele origin: germline.

GeneDx
Classification: Uncertain significance. Last evaluated: 2020-06-01. Review status: criteria provided, single submitter. Criteria: GeneDx Variant Classification Process June 2021. Collection method: clinical testing. Allele origin: germline. Affected: yes.
Comment: In silico analysis, which includes splice predictors and evolutionary conservation, suggests this variant may impact gene splicing. In the absence of RNA/functional studies, the actual effect of this sequence change is unknown.; This variant is associated with the following publications: (PMID: 28468868, 19823873, 16917893, 19280650)

OMIM
Classification: Pathogenic for HYPERPHENYLALANINEMIA, BH4-DEFICIENT, A. Last evaluated: 2009-05-01. Review status: no assertion criteria provided. Collection method: literature only. Allele origin: germline. Not counted in ClinVar's aggregate classification.

Literature cited by the submitters: PubMed 19280650 (cited by OMIM).